The following is an entry in ClinVar:

ClinVar aggregate classification (germline): Uncertain significance (1 of 4 stars; one submission).

Conditions:
Atrial fibrillation, familial, 7 (ATFB7). Identifiers: MedGen C2677106, MONDO:0012828, OMIM 612240.

Submission:

Labcorp Genetics (formerly Invitae), Labcorp
Classification: Uncertain significance for Atrial fibrillation, familial, 7. Last evaluated: 2025-06-10. Review status: criteria provided, single submitter. Criteria: Invitae Variant Classification Sherloc (09022015). Collection method: clinical testing. Allele origin: germline.
Comment: This sequence change affects codon 213 of the KCNA5 mRNA. It is a 'silent' change, meaning that it does not change the encoded amino acid sequence of the KCNA5 protein. This variant is not present in population databases (gnomAD no frequency). This variant has not been reported in the literature in individuals affected with KCNA5-related conditions. In summary, the available evidence is currently insufficient to determine the role of this variant in disease. Therefore, it has been classified as a Variant of Uncertain Significance.

NM_002234.4(KCNA5):c.639C>T (p.Phe213=)

Gene: KCNA5 (potassium voltage-gated channel subfamily A member 5; plus strand). Cytogenetic location: 12p13.32.
Variant type: single nucleotide variant.
Coding change: c.639C>T on transcript NM_002234.4 (MANE Select); coding-DNA position 639, C replaced by T.
Protein change: p.Phe213=; no amino-acid change (phenylalanine 213 retained).
Molecular consequence: synonymous variant.
Genome position (GRCh38, 1-based): chr12:5,044,786, C>T. VCF-style: chr12-5044786-C-T. GRCh37 (hg19) VCF-style: chr12-5153952-C-T.
Identifiers: ClinVar variation 4755095 (VCV004755095.1).
Genomic context (GRCh38, chr12:5,044,786, plus strand): 5'-GGACGTGTTCGCGGACGAGATACGCTTCTACCAGCTGGGGGACGAGGCCATGGAGCGCTT[C>T]CGCGAGGATGAGGGCTTCATTAAAGAAGAGGAGAAGCCCCTGCCCCGCAACGAGTTCCAG-3'
Protein context (NP_002225.2, residues 203-223): YQLGDEAMER[Phe213=]REDEGFIKEE